The following is an entry in ClinVar:

NM_177438.3(DICER1):c.245C>A (p.Ser82Tyr)

Gene: DICER1 (dicer 1, ribonuclease III; minus strand). Cytogenetic location: 14q32.13.
Variant type: single nucleotide variant.
Coding change: c.245C>A on transcript NM_177438.3 (MANE Select); coding-DNA position 245, C replaced by A.
Protein change: p.Ser82Tyr; replaces serine 82 with tyrosine.
Molecular consequence: missense variant. On other transcripts: 5 prime UTR variant (9), non-coding transcript variant (6).
Genome position (GRCh38, 1-based): chr14:95,132,577, G>T on the plus strand (C>A on the coding strand, the complement: DICER1 is on the minus strand). VCF-style: chr14-95132577-G-T. GRCh37 (hg19) VCF-style: chr14-95598914-G-T.
Other names: c.245C>A, p.Ser82Tyr (NM_001195573.1, NM_001271282.3, NM_001291628.2 and 15 more transcripts); c.-30C>A (NM_001395686.1, NM_001395687.1, NM_001395688.1 and 4 more transcripts); c.-214C>A (NM_001395691.1); c.-1324C>A (NM_001395697.1); short protein forms S82Y.
Identifiers: ClinVar variation 2855994 (VCV002855994.4), dbSNP rs751813700, ClinGen allele CA7331708.
Genomic context (GRCh38, chr14:95,132,577, plus strand): 5'-GAGTTGACCAAGAACACCGTCCTTTTTCCATTTCTGCTGAAGTCTCCCCTGATCTGATAG[G>T]ACAGCTCTTTAGTGAGTAGTACTGCAATAAATGTCTTCCCTGAGCCAGTGTTTAAACAGA-3'
Protein context (NP_803187.1, residues 72-92): FIAVLLTKEL[Ser82Tyr]YQIRGDFSRN

ClinVar aggregate classification (germline): Uncertain significance. Review status: criteria provided, multiple submitters, no conflicts (2 of 4 stars). 2 submissions from 2 submitters: Uncertain significance (2). Last evaluated 2025-01-25.

Conditions:
DICER1-related tumor predisposition. Also called: DICER1-related pleuropulmonary blastoma cancer predisposition syndrome; DICER1 syndrome. Identifiers: Orphanet 284343, MedGen C3839822, MONDO:0100216.
Hereditary cancer-predisposing syndrome. Also called: Hereditary Cancer Syndrome; Hereditary neoplastic syndrome; Neoplastic Syndromes, Hereditary; Tumor predisposition. Identifiers: Orphanet 140162, MedGen C0027672, MeSH D009386, MONDO:0015356.

Allele frequency attached by ClinVar (database versions not stated): gnomAD exomes below 0.00001; ExAC 0.00001.

Submissions (2):

Ambry Genetics
Classification: Uncertain significance for Hereditary cancer-predisposing syndrome. Last evaluated: 2025-01-25. Review status: criteria provided, single submitter. Criteria: Ambry Variant Classification Scheme 2023. Collection method: clinical testing. Allele origin: germline.
Comment: The p.S82Y variant (also known as c.245C>A), located in coding exon 2 of the DICER1 gene, results from a C to A substitution at nucleotide position 245. The serine at codon 82 is replaced by tyrosine, an amino acid with dissimilar properties. This amino acid position is conserved. In addition, the in silico prediction for this alteration is inconclusive. Based on the available evidence, the clinical significance of this variant remains unclear.

Labcorp Genetics (formerly Invitae), Labcorp
Classification: Uncertain significance for DICER1-related tumor predisposition. Last evaluated: 2023-04-14. Review status: criteria provided, single submitter. Criteria: Invitae Variant Classification Sherloc (09022015). Collection method: clinical testing. Allele origin: germline.
Comment: In summary, the available evidence is currently insufficient to determine the role of this variant in disease. Therefore, it has been classified as a Variant of Uncertain Significance. Advanced modeling of protein sequence and biophysical properties (such as structural, functional, and spatial information, amino acid conservation, physicochemical variation, residue mobility, and thermodynamic stability) performed at Invitae indicates that this missense variant is expected to disrupt DICER1 protein function. This variant has not been reported in the literature in individuals affected with DICER1-related conditions. This variant is present in population databases (rs751813700, gnomAD 0.003%). This sequence change replaces serine, which is neutral and polar, with tyrosine, which is neutral and polar, at codon 82 of the DICER1 protein (p.Ser82Tyr).